The following is an entry in ClinVar:

NM_000038.6(APC):c.7936C>T (p.Gln2646Ter)

Gene: APC (APC regulator of Wnt signaling pathway; plus strand). Cytogenetic location: 5q22.2.
Variant type: single nucleotide variant.
Coding change: c.7936C>T on transcript NM_000038.6 (MANE Select); coding-DNA position 7936, C replaced by T.
Protein change: p.Gln2646Ter; replaces glutamine 2646 with a stop codon.
Molecular consequence: nonsense. On other transcripts: non-coding transcript variant (2).
Genome position (GRCh38, 1-based): chr5:112,843,530, C>T. VCF-style: chr5-112843530-C-T. GRCh37 (hg19) VCF-style: chr5-112179227-C-T.
Other names: c.7936C>T, p.Gln2646Ter (NM_001127510.3, NM_001354895.2, NM_001407450.1); c.7882C>T, p.Gln2628Ter (NM_001127511.3); c.7990C>T, p.Gln2664Ter (NM_001354896.2, NM_001407447.1, NM_001407448.1 and 1 more transcripts); c.7966C>T, p.Gln2656Ter (NM_001354897.2); c.7861C>T, p.Gln2621Ter (NM_001354898.2); c.7852C>T, p.Gln2618Ter (NM_001354899.2); c.7813C>T, p.Gln2605Ter (NM_001354900.2); c.7759C>T, p.Gln2587Ter (NM_001354901.2, NM_001407453.1); and 11 more; short protein forms Q2262*, Q2363*, Q2486*, Q2517*, Q2520*, Q2545*, Q2555*, Q2563*.
Identifiers: ClinVar variation 2584295 (VCV002584295.2), dbSNP rs1554088768, ClinGen allele CA16038565.
Genomic context (GRCh38, chr5:112,843,530, plus strand): 5'-ACTTCTCAGACCGTTTCCTCAGGTGCTACAAATGGTGCTGAATCAAAGACTCTAATTTAT[C>T]AAATGGCACCTGCTGTTTCTAAAACAGAGGATGTTTGGGTGAGAATTGAGGACTGTCCCA-3'

ClinVar aggregate classification (germline): Pathogenic (1 of 4 stars; one submission).

Conditions:
Familial adenomatous polyposis 1 (FAP1). Also called: FAMILIAL ADENOMATOUS POLYPOSIS 1, ATTENUATED; POLYPOSIS, ADENOMATOUS INTESTINAL. Identifiers: MedGen C2713442, MONDO:0021056, OMIM 175100. Disease mechanism: loss of function.

Submission:

Myriad Genetics, Inc.
Classification: Pathogenic for Familial adenomatous polyposis 1. Last evaluated: 2023-05-16. Review status: criteria provided, single submitter. Criteria: Myriad Autosomal Dominant, Autosomal Recessive and X-Linked Classification Criteria (2023). Collection method: clinical testing. Allele origin: unknown.
Comment: This variant is considered pathogenic. This variant creates a termination codon and is predicted to result in premature protein truncation.